The following is an entry in ClinVar:

NM_004304.5(ALK):c.4570AAG[1] (p.Lys1525del)

Gene: ALK (ALK receptor tyrosine kinase; minus strand). Cytogenetic location: 2p23.2.
Variant type: Microsatellite.
Coding change: c.4570AAG[1] on transcript NM_004304.5 (MANE Select); one copy of the 3-base unit AAG starting at c.4570; the reference has two copies in a row; one copy, 3 bases deleted; also written c.4573_4575del.
Protein change: p.Lys1525del; deletes lysine 1525.
Molecular consequence: inframe deletion.
Genome position (GRCh38, 1-based): chr2:29,193,512-29,193,514, CTT deleted on the plus strand (AAG on the coding strand, the reverse complement: ALK is on the minus strand); deleting any 3 consecutive bases within chr2:29,193,512-29,193,517 gives the same sequence; the position shown is the placement nearest the transcript's 3' end. VCF-style (leftmost placement, unchanged base first): chr2-29193511-CCTT-C. GRCh37 (hg19) VCF-style: chr2-29416377-CCTT-C.
Other names: c.4573_4575del (NM_004304.4, NM_004304.5); c.1366AAG[1], p.Lys457del (NM_001353765.2); short protein forms K1525del, K457del.
Identifiers: ClinVar variation 239839 (VCV000239839.24), dbSNP rs755556501, ClinGen allele CA1593541.
Genomic context (GRCh38, chr2:29,193,511, plus strand): 5'-CAACGTTAGGTGGGACAGTACAGCTTCCCTCCAGCCCCAGGTTACCCCTGTCGTGTGGCT[CCTT>C]CTTTGCTATAGGATTATTCTTTTTGGTGGGTTTCTCTGTAAACCAGGAGCCGTACGTTGG-3'

ClinVar aggregate classification (germline): Conflicting classifications of pathogenicity. Review status: criteria provided, conflicting classifications (1 of 4 stars). 9 submissions from 9 submitters: Uncertain significance (6); Benign (1); Likely benign (1). 1 of the submissions does not count toward it. Last evaluated 2026-01-31.

Conditions:
ALK-related disorder. Also called: ALK-related condition.
Hereditary cancer-predisposing syndrome. Also called: Neoplastic Syndromes, Hereditary; Tumor predisposition; Hereditary neoplastic syndrome; Hereditary Cancer Syndrome. Identifiers: Orphanet 140162, MedGen C0027672, MeSH D009386, MONDO:0015356.
Neuroblastoma, susceptibility to, 3. Also called: ALK-Related Neuroblastic Tumor Susceptibility. Identifiers: Orphanet 635, MedGen C2751681, MONDO:0013083, OMIM 613014.

Submissions (9):

Labcorp Genetics (formerly Invitae), Labcorp
Classification: Uncertain significance for Neuroblastoma, susceptibility to, 3. Last evaluated: 2026-01-31. Review status: criteria provided, single submitter. Criteria: Invitae Variant Classification Sherloc (09022015). Collection method: clinical testing. Allele origin: germline.
Comment: This variant, c.4573_4575del, results in the deletion of 1 amino acid(s) of the ALK protein (p.Lys1525del), but otherwise preserves the integrity of the reading frame. This variant is present in population databases (rs755556501, gnomAD 0.05%), and has an allele count higher than expected for a pathogenic variant. This variant has not been reported in the literature in individuals affected with ALK-related conditions. ClinVar contains an entry for this variant (Variation ID: 239839). Experimental studies and prediction algorithms are not available or were not evaluated, and the functional significance of this variant is currently unknown. In summary, the available evidence is currently insufficient to determine the role of this variant in disease. Therefore, it has been classified as a Variant of Uncertain Significance.

Revvity Omics, Revvity
Classification: Uncertain significance. Last evaluated: 2025-08-11. Review status: criteria provided, single submitter. Criteria: ACMG Guidelines, 2015. Collection method: clinical testing. Allele origin: germline.

GeneDx
Classification: Uncertain significance. Last evaluated: 2025-08-07. Review status: criteria provided, single submitter. Criteria: GeneDx Variant Classification Process June 2021. Collection method: clinical testing. Allele origin: germline. Affected: yes.
Comment: In silico analysis supports a deleterious effect on protein structure/function; Identified in an individual with colorectal cancer and leiomyosarcoma (PMID: 32659967); In-frame deletion of 1 amino acid(s) in a non-repeat region; This variant is associated with the following publications: (PMID: 32659967)

Laboratorio de I+D, Fundación Centro Médico de Asturias
Classification: Benign for Hereditary cancer-predisposing syndrome. Last evaluated: 2025-07-07. Review status: criteria provided, single submitter. Criteria: ACMG Guidelines, 2015. Collection method: clinical testing. Allele origin: germline.
Comment: BS1+BS2+BP4+PM4

Baylor Genetics
Classification: Uncertain significance for Neuroblastoma, susceptibility to, 3. Last evaluated: 2024-03-28. Review status: criteria provided, single submitter. Criteria: ACMG Guidelines, 2015. Collection method: clinical testing. Allele origin: unknown.

Ambry Genetics
Classification: Likely benign for Hereditary cancer-predisposing syndrome. Last evaluated: 2024-03-20. Review status: criteria provided, single submitter. Criteria: Ambry Variant Classification Scheme 2023. Collection method: clinical testing. Allele origin: germline.

Fulgent Genetics
Classification: Uncertain significance for Neuroblastoma, susceptibility to, 3. Last evaluated: 2024-02-23. Review status: criteria provided, single submitter. Criteria: ACMG Guidelines, 2015. Collection method: clinical testing. Allele origin: germline.

Sema4
Classification: Uncertain significance for Hereditary cancer-predisposing syndrome. Last evaluated: 2021-12-28. Review status: criteria provided, single submitter. Criteria: Sema4 Curation Guidelines. Collection method: curation. Allele origin: germline.
Comment: The ALK c.4573_4575delAAG (p.K1525del) variant has been reported in heterozygosity in at least 1 individual with high-grade leiomyosarcoma and well-differentiated tubular adenocarcinoma (PMID: 32659967). This in-frame deletion removes one poorly conserved amino acid without altering the integrity of the reading frame. Functional studies and prediction algorithms are not available for this deletion, and the functional impact of this variant is unknown. It was observed in 17/35438 chromosomes of the Latino subpopulation in the large and broad cohorts of the Genome Aggregation Database (PMID: 32461654). This variant has been reported in ClinVar (Variation ID 239839). The evidence is insufficient to meet ACMG/AMP criteria for classifying the variant as benign or pathogenic. Thus, the clinical significance of this variant is currently uncertain.

PreventionGenetics, part of Exact Sciences
Classification: Uncertain significance for ALK-related condition. Last evaluated: 2024-07-11. Review status: no assertion criteria provided. Collection method: clinical testing. Allele origin: germline. Not counted in ClinVar's aggregate classification.
Comment: The ALK c.4573_4575delAAG variant is predicted to result in an in-frame deletion (p.Lys1525del). This variant, along with missense variants in BRCA2 and FANCA, was reported with uncertain significance in an individual with sarcoma and tumors related to Lynch syndrome (Table S1, de Angelis de Carvalho et al. 2020. PubMed ID: 32659967). This variant is reported in 0.048% of alleles in individuals of Latino descent in gnomAD. Although we suspect that this variant may be benign, at this time, the clinical significance of this variant is uncertain due to the absence of conclusive functional and genetic evidence.

Literature cited by the submitters: PubMed 32659967 (cited by Sema4).